The following is an entry in ClinVar:

ClinVar aggregate classification (germline): Uncertain significance (1 of 4 stars; one submission).

Conditions:
Severe combined immunodeficiency due to DNA-PKcs deficiency. Also called: Immunodeficiency 26 with or without neurologic abnormalities; IMMUNODEFICIENCY 26 WITH NEUROLOGIC ABNORMALITIES. Identifiers: Orphanet 317425, MedGen C4014833, MONDO:0014423, OMIM 615966.

Submission:

Labcorp Genetics (formerly Invitae), Labcorp
Classification: Uncertain significance for Severe combined immunodeficiency due to DNA-PKcs deficiency. Last evaluated: 2019-12-11. Review status: criteria provided, single submitter. Criteria: Invitae Variant Classification Sherloc (09022015). Collection method: clinical testing. Allele origin: germline.
Comment: In summary, the available evidence is currently insufficient to determine the role of this variant in disease. Therefore, it has been classified as a Variant of Uncertain Significance. Experimental studies and prediction algorithms are not available or were not evaluated, and the functional significance of this variant is currently unknown. This variant has not been reported in the literature in individuals with PRKDC-related conditions. This variant is not present in population databases (ExAC no frequency). This sequence change replaces aspartic acid with glycine at codon 3523 of the PRKDC protein (p.Asp3523Gly). The aspartic acid residue is moderately conserved and there is a moderate physicochemical difference between aspartic acid and glycine.

NM_006904.7(PRKDC):c.10568A>G (p.Asp3523Gly)

Gene: PRKDC (protein kinase, DNA-activated, catalytic subunit; minus strand). Cytogenetic location: 8q11.21.
Variant type: single nucleotide variant.
Coding change: c.10568A>G on transcript NM_006904.7 (MANE Select); coding-DNA position 10568, A replaced by G.
Protein change: p.Asp3523Gly; replaces aspartic acid 3523 with glycine.
Molecular consequence: missense variant.
Genome position (GRCh38, 1-based): chr8:47,794,392, T>C on the plus strand (A>G on the coding strand, the complement: PRKDC is on the minus strand). VCF-style: chr8-47794392-T-C. GRCh37 (hg19) VCF-style: chr8-48706953-T-C.
Other names: c.10568A>G, p.Asp3523Gly (NM_001081640.2); short protein forms D3523G.
Identifiers: ClinVar variation 860330 (VCV000860330.5), dbSNP rs2086941232, ClinGen allele CA371133941.